The following is an entry in ClinVar:

NM_030962.4(SBF2):c.1166A>G (p.Lys389Arg)

Gene: SBF2 (SET binding factor 2; minus strand). Cytogenetic location: 11p15.4.
Variant type: single nucleotide variant.
Coding change: c.1166A>G on transcript NM_030962.4 (MANE Select); coding-DNA position 1166, A replaced by G.
Protein change: p.Lys389Arg; replaces lysine 389 with arginine.
Molecular consequence: missense variant.
Genome position (GRCh38, 1-based): chr11:9,992,991, T>C on the plus strand (A>G on the coding strand, the complement: SBF2 is on the minus strand). VCF-style: chr11-9992991-T-C. GRCh37 (hg19) VCF-style: chr11-10014538-T-C.
Other names: c.1166A>G, p.Lys389Arg (NM_001386339.1, NM_001386342.1); short protein forms K389R.
Identifiers: ClinVar variation 1512207 (VCV001512207.8), dbSNP rs1490002752, ClinGen allele CA379637728.
Genomic context (GRCh38, chr11:9,992,991, plus strand): 5'-TAGTTTTATTAAATTAGAATATATTTTTTGGACAGATACAATATAGTACTCTATCTTACC[T>C]TGTGGAAATGTATTACTGGCTCTGCATGAATTCTTATAAGTTGCAGGCAGGATCTATATC-3'
Protein context (NP_112224.1, residues 379-399): IHAEPVIHFH[Lys389Arg]TAFLGQRGLV

ClinVar aggregate classification (germline): Uncertain significance (1 of 4 stars; one submission).

Conditions:
Charcot-Marie-Tooth disease type 4. Also called: Charcot-Marie-Tooth disease, type IV; Charcot-Marie-Tooth, Type 4. Identifiers: Orphanet 64749, MedGen C4082197, MONDO:0018995.

Allele frequency attached by ClinVar (database versions not stated): gnomAD exomes 0.00001; TOPMed 0.00001; gnomAD 0.00003.
gnomAD v4.1: 16 of 1,593,120 alleles (0.001%); highest among the groups gnomAD compares: Non-Finnish European, 0.0014%; no homozygotes.

Submission:

Labcorp Genetics (formerly Invitae), Labcorp
Classification: Uncertain significance for Charcot-Marie-Tooth disease type 4. Last evaluated: 2021-01-13. Review status: criteria provided, single submitter. Criteria: Invitae Variant Classification Sherloc (09022015). Collection method: clinical testing. Allele origin: germline.
Comment: In summary, the available evidence is currently insufficient to determine the role of this variant in disease. Therefore, it has been classified as a Variant of Uncertain Significance. Algorithms developed to predict the effect of sequence changes on RNA splicing suggest that this variant may create or strengthen a splice site, but this prediction has not been confirmed by published transcriptional studies. Algorithms developed to predict the effect of missense changes on protein structure and function are either unavailable or do not agree on the potential impact of this missense change (SIFT: "Tolerated"; PolyPhen-2: "Probably Damaging"; Align-GVGD: "Class C0"). This variant has not been reported in the literature in individuals with SBF2-related conditions. This variant is not present in population databases (ExAC no frequency). This sequence change replaces lysine with arginine at codon 389 of the SBF2 protein (p.Lys389Arg). The lysine residue is highly conserved and there is a small physicochemical difference between lysine and arginine.